The following is an entry in ClinVar:

NM_006005.3(WFS1):c.169G>T (p.Ala57Ser)

Gene: WFS1 (wolframin ER transmembrane glycoprotein; plus strand). Cytogenetic location: 4p16.1.
Variant type: single nucleotide variant.
Coding change: c.169G>T on transcript NM_006005.3 (MANE Select); coding-DNA position 169, G replaced by T.
Protein change: p.Ala57Ser; replaces alanine 57 with serine.
Molecular consequence: missense variant.
Genome position (GRCh38, 1-based): chr4:6,277,624, G>T. VCF-style: chr4-6277624-G-T. GRCh37 (hg19) VCF-style: chr4-6279351-G-T.
Other names: c.169G>T, p.Ala57Ser (NM_001145853.1); short protein forms A57S.
Identifiers: ClinVar variation 215374 (VCV000215374.10), dbSNP rs372783392, ClinGen allele CA320631.
Genomic context (GRCh38, chr4:6,277,624, plus strand): 5'-AGGAGCGAAAGGCCCCGAGCACCCGGACCCCAGGCTGGCCCTGGCCCTGGTGTTAGAGAC[G>T]CAGCGGCCCCCGCTGAACCCCAGGCCCAGCATACCAGGAGCCGGGAAAGAGCAGACGGCA-3'
Protein context (NP_005996.2, residues 47-67): QAGPGPGVRD[Ala57Ser]AAPAEPQAQH

ClinVar aggregate classification (germline): Uncertain significance. Review status: criteria provided, multiple submitters, no conflicts (2 of 4 stars). 5 submissions from 5 submitters: Uncertain significance (5). Last evaluated 2026-10-21.

Conditions:
WFS1-related disorder. Identifiers: MedGen CN379391, MONDO:0700293.
Inborn genetic diseases. Identifiers: MedGen C0950123, MeSH D030342.
Cataract 41 (CTRCT41). Also called: CATARACT 41, CONGENITAL NUCLEAR TYPE. Identifiers: Orphanet 91492, Orphanet 98991, Orphanet 98992, Orphanet 98995, MedGen C3805412, MONDO:0007287, OMIM 116400.
Wolfram syndrome 1 (WFS1). Identifiers: Orphanet 3463, MedGen C4551693, MONDO:0009101, OMIM 222300.
Wolfram-like syndrome. Also called: HEARING LOSS, PROGRESSIVE, WITH OPTIC ATROPHY AND/OR IMPAIRED GLUCOSE REGULATION. Identifiers: Orphanet 411590, MedGen C3280358, MONDO:0013673, OMIM 614296.
Autosomal dominant nonsyndromic hearing loss 6 (LFSNHL). Also called: DEAFNESS, AUTOSOMAL DOMINANT 6; Autosomal dominant nonsyndromic deafness 6; DEAFNESS, AUTOSOMAL DOMINANT 14; DEAFNESS, AUTOSOMAL DOMINANT 38. Identifiers: Orphanet 90635, MedGen C1833021, MONDO:0010963, OMIM 600965.
Type 2 diabetes mellitus. Also called: Type II diabetes mellitus. Identifiers: MedGen C0011860, MeSH D003924, MONDO:0005148, OMIM 125853, HP:0005978.

Allele frequency attached by ClinVar (database versions not stated): TOPMed 0.00003.
gnomAD v4.1: 116 of 1,572,824 alleles (0.0074%); highest among the groups gnomAD compares: Non-Finnish European, 0.0095%; no homozygotes.

Submissions (5):

GeneDx
Classification: Uncertain significance. Last evaluated: 2026-10-21. Review status: criteria provided, single submitter. Criteria: GeneDx Variant Classification Process June 2021. Collection method: clinical testing. Allele origin: germline.
Comment: Has not been previously published as pathogenic or benign to our knowledge; In silico analysis suggests that this missense variant does not alter protein structure/function

PreventionGenetics, part of Exact Sciences
Classification: Uncertain significance for WFS1-related condition. Last evaluated: 2026-07-20. Review status: criteria provided, single submitter. Criteria: ACMG Guidelines, 2015. Collection method: clinical testing. Allele origin: germline.
Comment: The WFS1 c.169G>T variant is predicted to result in the amino acid substitution p.Ala57Ser. To our knowledge, this variant has not been reported in the literature. This variant is reported in 0.0056% of alleles in individuals of European (Non-Finnish) descent in gnomAD. At this time, the clinical significance of this variant is uncertain due to the absence of conclusive functional and genetic evidence.

Ambry Genetics
Classification: Uncertain significance for Inborn genetic diseases. Last evaluated: 2025-06-19. Review status: criteria provided, single submitter. Criteria: Ambry Variant Classification Scheme 2023. Collection method: clinical testing. Allele origin: germline.

Fulgent Genetics
Classification: Uncertain significance for Cataract 41; Type 2 diabetes mellitus; Wolfram syndrome 1; Autosomal dominant nonsyndromic hearing loss 6; Wolfram-like syndrome. Last evaluated: 2024-04-05. Review status: criteria provided, single submitter. Criteria: ACMG Guidelines, 2015. Collection method: clinical testing. Allele origin: germline.

Labcorp Genetics (formerly Invitae), Labcorp
Classification: Uncertain significance. Last evaluated: 2023-09-20. Review status: criteria provided, single submitter. Criteria: Invitae Variant Classification Sherloc (09022015). Collection method: clinical testing. Allele origin: germline.
Comment: In summary, the available evidence is currently insufficient to determine the role of this variant in disease. Therefore, it has been classified as a Variant of Uncertain Significance. Advanced modeling of protein sequence and biophysical properties (such as structural, functional, and spatial information, amino acid conservation, physicochemical variation, residue mobility, and thermodynamic stability) performed at Invitae indicates that this missense variant is not expected to disrupt WFS1 protein function. ClinVar contains an entry for this variant (Variation ID: 215374). This variant has not been reported in the literature in individuals affected with WFS1-related conditions. The frequency data for this variant in the population databases is considered unreliable, as metrics indicate poor data quality at this position in the gnomAD database. This sequence change replaces alanine, which is neutral and non-polar, with serine, which is neutral and polar, at codon 57 of the WFS1 protein (p.Ala57Ser).